The following is an entry in ClinVar:

NM_000228.3(LAMB3):c.1103C>T (p.Pro368Leu)

Gene: LAMB3 (laminin subunit beta 3; minus strand). Cytogenetic location: 1q32.2.
Variant type: single nucleotide variant.
Coding change: c.1103C>T on transcript NM_000228.3 (MANE Select); coding-DNA position 1103, C replaced by T.
Protein change: p.Pro368Leu; replaces proline 368 with leucine.
Molecular consequence: missense variant.
Genome position (GRCh38, 1-based): chr1:209,629,766, G>A on the plus strand (C>T on the coding strand, the complement: LAMB3 is on the minus strand). VCF-style: chr1-209629766-G-A. GRCh37 (hg19) VCF-style: chr1-209803111-G-A.
Other names: c.1103C>T, p.Pro368Leu (NM_001017402.2, NM_001127641.1); short protein forms P368L.
Identifiers: ClinVar variation 2267517 (VCV002267517.3), dbSNP rs549692468, ClinGen allele CA1375698.
Genomic context (GRCh38, chr1:209,629,766, plus strand): 5'-GACACTCTGGGACTCCGGAGCCTCTACTCACAGATGCAGGTCTCCTGAATGGAAGCTCCC[G>A]GGCGCCGGTTCCGGAAATAGTGCAGCTGACACCGCTCACAGTTCTTGCCTTCGGTGTGGT-3'
Protein context (NP_000219.2, residues 358-378): CQLHYFRNRR[Pro368Leu]GASIQETCIS

ClinVar aggregate classification (germline): Uncertain significance. Review status: criteria provided, multiple submitters, no conflicts (2 of 4 stars). 2 submissions from 2 submitters: Uncertain significance (2). Last evaluated 2025-08-07.

Conditions:
Inborn genetic diseases. Identifiers: MedGen C0950123, MeSH D030342.

Allele frequency attached by ClinVar (database versions not stated): ExAC 0.00003; gnomAD 0.00003; TOPMed 0.00003; gnomAD exomes 0.00004; 1000 Genomes Project 0.00020; 1000 Genomes Project 30x 0.00031.
gnomAD v4.1: 66 of 1,613,990 alleles (0.0041%); highest among the groups gnomAD compares: South Asian, 0.0088%; no homozygotes.

Submissions (2):

Labcorp Genetics (formerly Invitae), Labcorp
Classification: Uncertain significance. Last evaluated: 2025-08-07. Review status: criteria provided, single submitter. Criteria: Invitae Variant Classification Sherloc (09022015). Collection method: clinical testing. Allele origin: germline.
Comment: This sequence change replaces proline, which is neutral and non-polar, with leucine, which is neutral and non-polar, at codon 368 of the LAMB3 protein (p.Pro368Leu). This variant is present in population databases (rs549692468, gnomAD 0.01%). This variant has not been reported in the literature in individuals affected with LAMB3-related conditions. ClinVar contains an entry for this variant (Variation ID: 2267517). Invitae Evidence Modeling of protein sequence and biophysical properties (such as structural, functional, and spatial information, amino acid conservation, physicochemical variation, residue mobility, and thermodynamic stability) indicates that this missense variant is not expected to disrupt LAMB3 protein function with a negative predictive value of 80%. In summary, the available evidence is currently insufficient to determine the role of this variant in disease. Therefore, it has been classified as a Variant of Uncertain Significance.

Ambry Genetics
Classification: Uncertain significance for Inborn genetic diseases. Last evaluated: 2021-12-15. Review status: criteria provided, single submitter. Criteria: Ambry Variant Classification Scheme 2023. Collection method: clinical testing. Allele origin: germline.